The following is an entry in ClinVar:

ClinVar aggregate classification (germline): Uncertain significance (1 of 4 stars; one submission).

Conditions:
Inborn genetic diseases. Identifiers: MedGen C0950123, MeSH D030342.

Allele frequency attached by ClinVar (database versions not stated): gnomAD exomes below 0.00001.

Submission:

Ambry Genetics
Classification: Uncertain significance for Inborn genetic diseases. Last evaluated: 2022-05-26. Review status: criteria provided, single submitter. Criteria: Ambry Variant Classification Scheme 2023. Collection method: clinical testing. Allele origin: germline.
Comment: The p.T309S variant (also known as c.926C>G), located in coding exon 9 of the RAD51 gene, results from a C to G substitution at nucleotide position 926. The threonine at codon 309 is replaced by serine, an amino acid with similar properties. This amino acid position is conserved. In addition, the in silico prediction for this alteration is inconclusive. Since supporting evidence is limited at this time, the clinical significance of this alteration remains unclear.

NM_002875.5(RAD51):c.926C>G (p.Thr309Ser)

Gene: RAD51 (RAD51 recombinase; plus strand). Cytogenetic location: 15q15.1.
Variant type: single nucleotide variant.
Coding change: c.926C>G on transcript NM_002875.5 (MANE Select); coding-DNA position 926, C replaced by G.
Protein change: p.Thr309Ser; replaces threonine 309 with serine.
Molecular consequence: missense variant.
Genome position (GRCh38, 1-based): chr15:40,731,084, C>G. VCF-style: chr15-40731084-C-G. GRCh37 (hg19) VCF-style: chr15-41023282-C-G.
Other names: c.929C>G, p.Thr310Ser (NM_001164269.2, NM_133487.4); c.804C>G, p.Asn268Lys (NM_001164270.2); short protein forms N268K, T309S, T310S.
Identifiers: ClinVar variation 1766388 (VCV001766388.2), dbSNP rs1896857313, ClinGen allele CA391760726.